The following is an entry in ClinVar:

NM_001035.3(RYR2):c.4431T>G (p.His1477Gln)

Gene: RYR2 (ryanodine receptor 2; plus strand). Cytogenetic location: 1q43.
Variant type: single nucleotide variant.
Coding change: c.4431T>G on transcript NM_001035.3 (MANE Select); coding-DNA position 4431, T replaced by G.
Protein change: p.His1477Gln; replaces histidine 1477 with glutamine.
Molecular consequence: missense variant.
Genome position (GRCh38, 1-based): chr1:237,593,631, T>G. VCF-style: chr1-237593631-T-G. GRCh37 (hg19) VCF-style: chr1-237756931-T-G.
Other names: short protein forms H1477Q.
Identifiers: ClinVar variation 5028671 (VCV005028671.1).
Genomic context (GRCh38, chr1:237,593,631, plus strand): 5'-TGACTTGGACAGAGTTCGCACAGTAACAGTTACTCTAGGAGATGAAAAAGGAAAAGTGCA[T>G]GAAAGGTTAGTTTTCCTCAATTTTTTGCAAGAATGACATGTGAAAAAAATATTGGTGAAC-3'
Protein context (NP_001026.2, residues 1467-1487): VTLGDEKGKV[His1477Gln]ESIKRSNCYM

ClinVar aggregate classification (germline): Uncertain significance (1 of 4 stars; one submission).

Conditions:
Cardiovascular phenotype. Identifiers: MedGen CN230736.

Submission:

Ambry Genetics
Classification: Uncertain significance for Cardiovascular phenotype. Last evaluated: 2026-07-02. Review status: criteria provided, single submitter. Criteria: Ambry Variant Classification Scheme 2023. Collection method: clinical testing. Allele origin: germline.
Comment: The p.H1477Q variant (also known as c.4431T>G), located in coding exon 33 of the RYR2 gene, results from a T to G substitution at nucleotide position 4431. The histidine at codon 1477 is replaced by glutamine, an amino acid with highly similar properties. This amino acid position is conserved. In addition, this alteration is predicted to be tolerated by in silico analysis. Based on the available evidence, the clinical significance of this variant remains unclear.